The following is an entry in ClinVar:

ClinVar aggregate classification (germline): Conflicting classifications of pathogenicity. Review status: criteria provided, conflicting classifications (1 of 4 stars). 8 submissions from 8 submitters: Uncertain significance (1); Likely benign (6). 1 of the submissions does not count toward it. Last evaluated 2025-10-26.

Conditions:
Hereditary cancer-predisposing syndrome. Also called: Tumor predisposition; Neoplastic Syndromes, Hereditary; Hereditary neoplastic syndrome; Hereditary Cancer Syndrome. Identifiers: Orphanet 140162, MedGen C0027672, MeSH D009386, MONDO:0015356.
APC-related disorder. Also called: APC-related condition.
Familial adenomatous polyposis 1 (FAP1). Also called: FAMILIAL ADENOMATOUS POLYPOSIS 1, ATTENUATED; POLYPOSIS, ADENOMATOUS INTESTINAL. Identifiers: MedGen C2713442, MONDO:0021056, OMIM 175100. Disease mechanism: loss of function.

Allele frequency attached by ClinVar (database versions not stated): 1000 Genomes Project 30x 0.00016; 1000 Genomes Project 0.00020.
gnomAD v4.1: 17 of 1,605,834 alleles (0.0011%); highest among the groups gnomAD compares: South Asian, 0.013%; no homozygotes.

Submissions (8):

Labcorp Genetics (formerly Invitae), Labcorp
Classification: Likely benign for Familial adenomatous polyposis 1. Last evaluated: 2025-10-26. Review status: criteria provided, single submitter. Criteria: Invitae Variant Classification Sherloc (09022015). Collection method: clinical testing. Allele origin: germline.

Institute for Biomarker Research, Medical Diagnostic Laboratories, L.L.C.
Classification: Likely benign for Hereditary cancer-predisposing syndrome. Last evaluated: 2024-09-03. Review status: criteria provided, single submitter. Criteria: ACMG Guidelines, 2015. Collection method: clinical testing. Allele origin: germline.
Comment: The splice region variant NM_000038.6(APC):c.933+5C>T has not been reported previously as a pathogenic variant, to our knowledge. The variant is observed in one or more well-documented healthy adults. The c.933+5C>T variant is not predicted to disrupt the existing donor splice site 3bp upstream by any splice site algorithm. For these reasons, this variant has been classified as Likely Benign.

Blueprint Genetics
Classification: Likely benign. Last evaluated: 2024-01-15. Review status: criteria provided, single submitter. Criteria: ACMG Guidelines, 2015. Collection method: clinical testing. Allele origin: germline.

Ambry Genetics
Classification: Likely benign for Hereditary cancer-predisposing syndrome. Last evaluated: 2019-10-15. Review status: criteria provided, single submitter. Criteria: Ambry Variant Classification Scheme 2023. Collection method: clinical testing. Allele origin: germline.

Quest Diagnostics Nichols Institute San Juan Capistrano
Classification: Uncertain significance. Last evaluated: 2019-03-21. Review status: criteria provided, single submitter. Criteria: Quest Diagnostics criteria. Collection method: clinical testing. Allele origin: germline.

Color Diagnostics, LLC DBA Color Health
Classification: Likely benign for Hereditary cancer-predisposing syndrome. Last evaluated: 2017-09-17. Review status: criteria provided, single submitter. Criteria: ACMG Guidelines, 2015. Collection method: clinical testing. Allele origin: germline.

GeneDx
Classification: Likely benign. Last evaluated: 2016-05-27. Review status: criteria provided, single submitter. Criteria: GeneDx Variant Classification (06012015). Collection method: clinical testing. Allele origin: germline. Affected: yes.
Comment: This variant is considered likely benign or benign based on one or more of the following criteria: it is a conservative change, it occurs at a poorly conserved position in the protein, it is predicted to be benign by multiple in silico algorithms, and/or has population frequency not consistent with disease.

PreventionGenetics, part of Exact Sciences
Classification: Likely benign for APC-related condition. Last evaluated: 2022-02-10. Review status: no assertion criteria provided. Collection method: clinical testing. Allele origin: germline. Not counted in ClinVar's aggregate classification.
Comment: This variant is classified as likely benign based on ACMG/AMP sequence variant interpretation guidelines (Richards et al. 2015 PMID: 25741868, with internal and published modifications).

Literature cited by the submitters: PubMed 15459959 (cited by Ambry Genetics).

NM_000038.6(APC):c.933+5C>T

Gene: APC (APC regulator of Wnt signaling pathway; plus strand). Cytogenetic location: 5q22.2.
Variant type: single nucleotide variant.
Coding change: c.933+5C>T on transcript NM_000038.6 (MANE Select); 5 bases into the intron after coding-DNA position 933, C replaced by T.
Molecular consequence: intron variant.
Genome position (GRCh38, 1-based): chr5:112,815,598, C>T. VCF-style: chr5-112815598-C-T. GRCh37 (hg19) VCF-style: chr5-112151295-C-T.
Other names: c.933+5C>T (NM_001354895.2, NM_001127510.3, NM_001354896.2 and 1 more transcripts); c.963+5C>T (NM_001354897.2, NM_001354902.2); c.879+5C>T (NM_001127511.3); c.858+5C>T (NM_001354898.2, NM_001354904.2); c.84+5C>T (NM_001354906.2); c.849+5C>T (NM_001354899.2); c.756+5C>T (NM_001354900.2, NM_001354901.2, NM_001354905.2).
Identifiers: ClinVar variation 386632 (VCV000386632.22), dbSNP rs573528468, ClinGen allele CA051247.